The following is an entry in ClinVar:

ClinVar aggregate classification (germline): Benign. Review status: criteria provided, multiple submitters, no conflicts (2 of 4 stars). 2 submissions from 2 submitters: Benign (2). Last evaluated 2024-07-31.

Allele frequency attached by ClinVar (database versions not stated): TOPMed 0.66381; gnomAD 0.66599 and 0.67020; ESP Exome Variant Server 0.67280; 1000 Genomes Project 30x 0.68894; 1000 Genomes Project 0.68950.
gnomAD v4.1: 804,470 of 1,313,510 alleles (61%); highest among the groups gnomAD compares: African/African-American, 81%; 249,270 homozygotes.

Submissions (2):

Unidad de Genómica Garrahan, Hospital de Pediatría Garrahan
Classification: Benign. Last evaluated: 2024-07-31. Review status: criteria provided, single submitter. Criteria: ACMG Guidelines, 2015. Collection method: clinical testing. Allele origin: germline. Affected: no. Observed: 66 variant alleles.
Comment: This variant is classified as Benign based on local population frequency. This variant was detected in 71% of patients studied in a panel designed for Epileptic and Developmental Encephalopathy, Progressive Myoclonus Epilepsy and Abnormal Movements and Neurodegeneration with brain iron accumulation. Number of patients: 66. Only high quality variants are reported.

GeneDx
Classification: Benign. Last evaluated: 2018-07-05. Review status: criteria provided, single submitter. Criteria: GeneDx Variant Classification Process June 2021. Collection method: clinical testing. Allele origin: germline. Affected: yes.

NM_004562.3(PRKN):c.872-68C>G

Gene: PRKN (parkin RBR E3 ubiquitin protein ligase; minus strand). Cytogenetic location: 6q26.
Variant type: single nucleotide variant.
Coding change: c.872-68C>G on transcript NM_004562.3 (MANE Select); 68 bases into the intron before coding-DNA position 872, C replaced by G.
Molecular consequence: intron variant.
Genome position (GRCh38, 1-based): chr6:161,569,484, G>C on the plus strand (C>G on the coding strand, the complement: PRKN is on the minus strand). VCF-style: chr6-161569484-G-C. GRCh37 (hg19) VCF-style: chr6-161990516-G-C.
Other names: c.425-68C>G (NM_013988.3); c.788-68C>G (NM_013987.3).
Identifiers: ClinVar variation 1269722 (VCV001269722.3), dbSNP rs3765475, ClinGen allele CA12216683.